The following is an entry in ClinVar:

ClinVar aggregate classification (germline): Uncertain significance (1 of 4 stars; one submission).

Submission:

Labcorp Genetics (formerly Invitae), Labcorp
Classification: Uncertain significance. Last evaluated: 2024-01-08. Review status: criteria provided, single submitter. Criteria: Invitae Variant Classification Sherloc (09022015). Collection method: clinical testing. Allele origin: germline.
Comment: This sequence change replaces valine, which is neutral and non-polar, with leucine, which is neutral and non-polar, at codon 1412 of the CCDC88C protein (p.Val1412Leu). This variant is not present in population databases (gnomAD no frequency). This variant has not been reported in the literature in individuals affected with CCDC88C-related conditions. ClinVar contains an entry for this variant (Variation ID: 1959075). An algorithm developed to predict the effect of missense changes on protein structure and function (PolyPhen-2) suggests that this variant is likely to be disruptive. In summary, the available evidence is currently insufficient to determine the role of this variant in disease. Therefore, it has been classified as a Variant of Uncertain Significance.

NM_001080414.4(CCDC88C):c.4234G>C (p.Val1412Leu)

Gene: CCDC88C (coiled-coil and HOOK domain protein 88C; minus strand). Cytogenetic location: 14q32.11.
Variant type: single nucleotide variant.
Coding change: c.4234G>C on transcript NM_001080414.4 (MANE Select); coding-DNA position 4234, G replaced by C.
Protein change: p.Val1412Leu; replaces valine 1412 with leucine.
Molecular consequence: missense variant.
Genome position (GRCh38, 1-based): chr14:91,289,312, C>G on the plus strand (G>C on the coding strand, the complement: CCDC88C is on the minus strand). VCF-style: chr14-91289312-C-G. GRCh37 (hg19) VCF-style: chr14-91755656-C-G.
Other names: short protein forms V1412L.
Identifiers: ClinVar variation 1959075 (VCV001959075.5), dbSNP rs2544289667, ClinGen allele CA390614935.